The following is an entry in ClinVar:

ClinVar aggregate classification (germline): Uncertain significance (1 of 4 stars; one submission).

Conditions:
Tumor predisposition syndrome 3 (TPDS3). Also called: Melanoma, cutaneous malignant, susceptibility to, 10; LONG TELOMERE SYNDROME, POT1-RELATED; POT1 Tumor Predisposition; Glioma susceptibility 9. Identifiers: Orphanet 618, MedGen C4014476, MONDO:0014368, OMIM 615848.

Allele frequency attached by ClinVar (database versions not stated): gnomAD exomes below 0.00001.
gnomAD v4.1: 1 of 1,597,918 alleles (0.000063%); highest among the groups gnomAD compares: Non-Finnish European, 0.000086%; no homozygotes.

Submission:

Labcorp Genetics (formerly Invitae), Labcorp
Classification: Uncertain significance for Tumor predisposition syndrome 3. Last evaluated: 2023-01-20. Review status: criteria provided, single submitter. Criteria: Invitae Variant Classification Sherloc (09022015). Collection method: clinical testing. Allele origin: germline.
Comment: This sequence change replaces aspartic acid, which is acidic and polar, with asparagine, which is neutral and polar, at codon 550 of the POT1 protein (p.Asp550Asn). In summary, the available evidence is currently insufficient to determine the role of this variant in disease. Therefore, it has been classified as a Variant of Uncertain Significance. Advanced modeling of protein sequence and biophysical properties (such as structural, functional, and spatial information, amino acid conservation, physicochemical variation, residue mobility, and thermodynamic stability) performed at Invitae indicates that this missense variant is not expected to disrupt POT1 protein function. This variant has not been reported in the literature in individuals affected with POT1-related conditions. This variant is not present in population databases (gnomAD no frequency).

NM_015450.3(POT1):c.1648G>A (p.Asp550Asn)

Gene: POT1 (protection of telomeres 1; minus strand). Cytogenetic location: 7q31.33.
Variant type: single nucleotide variant.
Coding change: c.1648G>A on transcript NM_015450.3 (MANE Select); coding-DNA position 1648, G replaced by A.
Protein change: p.Asp550Asn; replaces aspartic acid 550 with asparagine.
Molecular consequence: missense variant. On other transcripts: non-coding transcript variant (3).
Genome position (GRCh38, 1-based): chr7:124,827,252, C>T on the plus strand (G>A on the coding strand, the complement: POT1 is on the minus strand). VCF-style: chr7-124827252-C-T. GRCh37 (hg19) VCF-style: chr7-124467306-C-T.
Other names: c.1255G>A, p.Asp419Asn (NM_001042594.2); short protein forms D419N, D550N.
Identifiers: ClinVar variation 2830680 (VCV002830680.3), dbSNP rs2485345154, ClinGen allele CA369063029.
Genomic context (GRCh38, chr7:124,827,252, plus strand): 5'-CTTTATTACCTCTGATACTTACAGAATCCATGAGATAGGCTTCTAGTACTCCTGTTCCAT[C>T]ATCAAGTGTAAAGGTCATAACAAACACATATTGGAGGGGTACAATACCCAGTGCTAGTGA-3'
Protein context (NP_056265.2, residues 540-560): YVFVMTFTLD[Asp550Asn]GTGVLEAYLM